The following is an entry in ClinVar:

ClinVar aggregate classification (germline): Uncertain significance. Review status: criteria provided, multiple submitters, no conflicts (2 of 4 stars). 2 submissions from 2 submitters: Uncertain significance (2). Last evaluated 2022-11-15.

Conditions:
Familial encephalopathy with neuroserpin inclusion bodies. Also called: ENCEPHALOPATHY, FAMILIAL, WITH COLLINS BODIES. Identifiers: Orphanet 85110, MedGen C1858680, MONDO:0011412, OMIM 604218.

Allele frequency attached by ClinVar (database versions not stated): gnomAD exomes below 0.00001.
gnomAD v4.1: 1 of 1,613,688 alleles (0.000062%); highest among the groups gnomAD compares: Admixed American, 0.0017%; no homozygotes.

Submissions (2):

Labcorp Genetics (formerly Invitae), Labcorp
Classification: Uncertain significance for Familial encephalopathy with neuroserpin inclusion bodies. Last evaluated: 2022-11-15. Review status: criteria provided, single submitter. Criteria: Invitae Variant Classification Sherloc (09022015). Collection method: clinical testing. Allele origin: germline.
Comment: In summary, the available evidence is currently insufficient to determine the role of this variant in disease. Therefore, it has been classified as a Variant of Uncertain Significance. Advanced modeling of protein sequence and biophysical properties (such as structural, functional, and spatial information, amino acid conservation, physicochemical variation, residue mobility, and thermodynamic stability) performed at Invitae indicates that this missense variant is not expected to disrupt SERPINI1 protein function. ClinVar contains an entry for this variant (Variation ID: 976013). This variant has not been reported in the literature in individuals affected with SERPINI1-related conditions. This variant is present in population databases (no rsID available, gnomAD 0.003%). This sequence change replaces proline, which is neutral and non-polar, with serine, which is neutral and polar, at codon 196 of the SERPINI1 protein (p.Pro196Ser).

Institute of Human Genetics, University of Leipzig Medical Center
Classification: Uncertain significance for Familial encephalopathy with neuroserpin inclusion bodies. Last evaluated: 2019-11-22. Review status: criteria provided, single submitter. Criteria: ACMG Guidelines, 2015. Collection method: clinical testing. Allele origin: germline. Affected: yes. Observed: 1 variant allele.

NM_001122752.2(SERPINI1):c.586C>T (p.Pro196Ser)

Gene: SERPINI1 (serpin family I member 1; plus strand). Cytogenetic location: 3q26.1.
Variant type: single nucleotide variant.
Coding change: c.586C>T on transcript NM_001122752.2 (MANE Select); coding-DNA position 586, C replaced by T.
Protein change: p.Pro196Ser; replaces proline 196 with serine.
Molecular consequence: missense variant.
Genome position (GRCh38, 1-based): chr3:167,792,694, C>T. VCF-style: chr3-167792694-C-T. GRCh37 (hg19) VCF-style: chr3-167510482-C-T.
Other names: c.586C>T, p.Pro196Ser (NM_005025.5); short protein forms P196S.
Identifiers: ClinVar variation 976013 (VCV000976013.6), dbSNP rs1443427135, ClinGen allele CA355156661.
Genomic context (GRCh38, chr3:167,792,694, plus strand): 5'-ACTTATCTGGCCCTCATTAATGCTGTCTATTTCAAGGGGAACTGGAAGTCGCAGTTTAGG[C>T]CTGAAAATACTAGAACCTTTTCTTTCACTAAAGATGATGAAAGTGAAGTCCAAATTCCAA-3'
Protein context (NP_001116224.1, residues 186-206): FKGNWKSQFR[Pro196Ser]ENTRTFSFTK